The following is an entry in ClinVar:

NM_000222.3(KIT):c.1208T>A (p.Ile403Lys)

Gene: KIT (KIT proto-oncogene, receptor tyrosine kinase; plus strand). Cytogenetic location: 4q12.
Variant type: single nucleotide variant.
Coding change: c.1208T>A on transcript NM_000222.3 (MANE Select); coding-DNA position 1208, T replaced by A.
Protein change: p.Ile403Lys; replaces isoleucine 403 with lysine.
Molecular consequence: missense variant.
Genome position (GRCh38, 1-based): chr4:54,709,516, T>A. VCF-style: chr4-54709516-T-A. GRCh37 (hg19) VCF-style: chr4-55575682-T-A.
Other names: c.1208T>A, p.Ile403Lys (NM_001093772.2, NM_001385285.1, NM_001385286.1); c.1211T>A, p.Ile404Lys (NM_001385284.1, NM_001385288.1, NM_001385290.1 and 1 more transcripts); short protein forms I404K, I403K.
Identifiers: ClinVar variation 4645458 (VCV004645458.1).

ClinVar aggregate classification (germline): Uncertain significance (1 of 4 stars; one submission).

Conditions:
Hereditary cancer-predisposing syndrome. Also called: Neoplastic Syndromes, Hereditary; Tumor predisposition; Hereditary Cancer Syndrome; Hereditary neoplastic syndrome. Identifiers: Orphanet 140162, MedGen C0027672, MeSH D009386, MONDO:0015356.

Submission:

Ambry Genetics
Classification: Uncertain significance for Hereditary cancer-predisposing syndrome. Last evaluated: 2025-12-10. Review status: criteria provided, single submitter. Criteria: Ambry Variant Classification Scheme 2023. Collection method: clinical testing. Allele origin: germline.
Comment: The p.I403K variant (also known as c.1208T>A), located in coding exon 7 of the KIT gene, results from a T to A substitution at nucleotide position 1208. The isoleucine at codon 403 is replaced by lysine, an amino acid with dissimilar properties. This amino acid position is conserved. In addition, this alteration is predicted to be tolerated by in silico analysis. Based on the available evidence, the clinical significance of this variant remains unclear.